The following is an entry in ClinVar:

NM_018896.5(CACNA1G):c.6355C>T (p.Pro2119Ser)

Gene: CACNA1G (calcium voltage-gated channel subunit alpha1 G; plus strand). Cytogenetic location: 17q21.33.
Variant type: single nucleotide variant.
Coding change: c.6355C>T on transcript NM_018896.5 (MANE Select); coding-DNA position 6355, C replaced by T.
Protein change: p.Pro2119Ser; replaces proline 2119 with serine.
Molecular consequence: missense variant. On other transcripts: non-coding transcript variant (5).
Genome position (GRCh38, 1-based): chr17:50,624,485, C>T. VCF-style: chr17-50624485-C-T. GRCh37 (hg19) VCF-style: chr17-48701846-C-T.
Other names: c.6166C>T, p.Pro2056Ser (NM_001256324.2); c.6097C>T, p.Pro2033Ser (NM_001256325.2); c.6085C>T, p.Pro2029Ser (NM_001256326.2); c.6055C>T, p.Pro2019Ser (NM_001256327.2); c.6001C>T, p.Pro2001Ser (NM_001256328.2); c.5974C>T, p.Pro1992Ser (NM_001256329.2, NM_198376.3, NM_198387.3); c.5941C>T, p.Pro1981Ser (NM_001256330.2); c.5920C>T, p.Pro1974Ser (NM_001256331.2); and 15 more; short protein forms P1969S, P1974S, P1981S, P1985S, P1988S, P1990S, P1992S, P1999S.
Identifiers: ClinVar variation 3253035 (VCV003253035.2), dbSNP rs2053152938.

ClinVar aggregate classification (germline): Uncertain significance (1 of 4 stars; one submission).

Allele frequency attached by ClinVar (database versions not stated): gnomAD exomes below 0.00001.
gnomAD v4.1: 1 of 1,600,540 alleles (0.000062%); highest among the groups gnomAD compares: Non-Finnish European, 0.000085%; no homozygotes.

Submission:

GeneDx
Classification: Uncertain significance. Last evaluated: 2026-01-17. Review status: criteria provided, single submitter. Criteria: GeneDx Variant Classification Process June 2021. Collection method: clinical testing. Allele origin: germline.
Comment: Has not been previously published as pathogenic or benign to our knowledge; Not observed at significant frequency in large population cohorts (gnomAD); In silico analysis supports that this missense variant has a deleterious effect on protein structure/function